The following is an entry in ClinVar:

NC_000005.9:g.(?_6600039)_(6625802_?)dup

Gene: NSUN2 (NOP2/Sun RNA methyltransferase 2; minus strand). Cytogenetic location: 5p15.31.
Variant type: Duplication.
Identifiers: ClinVar variation 2426352 (VCV002426352.4).

ClinVar aggregate classification (germline): Uncertain significance (1 of 4 stars; one submission).

Submission:

Labcorp Genetics (formerly Invitae), Labcorp
Classification: Uncertain significance. Last evaluated: 2022-06-08. Review status: criteria provided, single submitter. Criteria: Invitae Variant Classification Sherloc (09022015). Collection method: clinical testing. Allele origin: germline.
Comment: In summary, the available evidence is currently insufficient to determine the role of this variant in disease. Therefore, it has been classified as a Variant of Uncertain Significance. Experimental studies and prediction algorithms are not available or were not evaluated, and the functional significance of this variant is currently unknown. This variant has not been reported in the literature in individuals affected with NSUN2-related conditions. This variant results in a copy number gain of the genomic region encompassing exon(s) 4-19 of the NSUN2 gene. This region includes the termination codon of the gene. This copy number gain extends beyond the assayed region for this gene and therefore may encompass additional genes. As the precise location of this event is unknown, it may be in tandem or it may be located elsewhere in the genome.